The following is an entry in ClinVar:

ClinVar aggregate classification (germline): Uncertain significance. Review status: criteria provided, multiple submitters, no conflicts (2 of 4 stars). 2 submissions from 2 submitters: Uncertain significance (2). Last evaluated 2024-07-30.

Allele frequency attached by ClinVar (database versions not stated): gnomAD exomes below 0.00001.
gnomAD v4.1: 1 of 1,594,688 alleles (0.000063%); highest among the groups gnomAD compares: African/African-American, 0.0013%; no homozygotes.

Submissions (2):

Blueprint Genetics
Classification: Uncertain significance. Last evaluated: 2024-07-30. Review status: criteria provided, single submitter. Criteria: ACMG Guidelines, 2015. Collection method: clinical testing. Allele origin: germline.

Labcorp Genetics (formerly Invitae), Labcorp
Classification: Uncertain significance. Last evaluated: 2022-07-06. Review status: criteria provided, single submitter. Criteria: Invitae Variant Classification Sherloc (09022015). Collection method: clinical testing. Allele origin: germline.
Comment: In summary, the available evidence is currently insufficient to determine the role of this variant in disease. Therefore, it has been classified as a Variant of Uncertain Significance. Algorithms developed to predict the effect of sequence changes on RNA splicing suggest that this variant may disrupt the consensus splice site. ClinVar contains an entry for this variant (Variation ID: 1369645). This variant has not been reported in the literature in individuals affected with IMPG1-related conditions. This variant is not present in population databases (gnomAD no frequency). This sequence change falls in intron 11 of the IMPG1 gene. It does not directly change the encoded amino acid sequence of the IMPG1 protein.

NM_001563.4(IMPG1):c.1213-15A>G

Gene: IMPG1 (interphotoreceptor matrix proteoglycan 1; minus strand). Cytogenetic location: 6q14.1.
Variant type: single nucleotide variant.
Coding change: c.1213-15A>G on transcript NM_001563.4 (MANE Select); 15 bases into the intron before coding-DNA position 1213, A replaced by G.
Molecular consequence: intron variant.
Genome position (GRCh38, 1-based): chr6:76,003,011, T>C on the plus strand (A>G on the coding strand, the complement: IMPG1 is on the minus strand). VCF-style: chr6-76003011-T-C. GRCh37 (hg19) VCF-style: chr6-76712728-T-C.
Other names: c.979-15A>G (NM_001282368.2).
Identifiers: ClinVar variation 1369645 (VCV001369645.7), dbSNP rs1582097116, ClinGen allele CA2573141154.